The following is an entry in ClinVar:

NM_020223.4(FAM20C):c.617G>T (p.Gly206Val)

Gene: FAM20C (FAM20C golgi associated secretory pathway kinase; plus strand). Cytogenetic location: 7p22.3.
Variant type: single nucleotide variant.
Coding change: c.617G>T on transcript NM_020223.4 (MANE Select); coding-DNA position 617, G replaced by T.
Protein change: p.Gly206Val; replaces glycine 206 with valine.
Molecular consequence: missense variant.
Genome position (GRCh38, 1-based): chr7:195,565, G>T. VCF-style: chr7-195565-G-T. GRCh37 (hg19) VCF-style: chr7-195565-G-T.
Other names: short protein forms G206V.
Identifiers: ClinVar variation 3621399 (VCV003621399.2).

ClinVar aggregate classification (germline): Uncertain significance (1 of 4 stars; one submission).

Submission:

Labcorp Genetics (formerly Invitae), Labcorp
Classification: Uncertain significance. Last evaluated: 2024-10-30. Review status: criteria provided, single submitter. Criteria: Invitae Variant Classification Sherloc (09022015). Collection method: clinical testing. Allele origin: germline.
Comment: This sequence change replaces glycine, which is neutral and non-polar, with valine, which is neutral and non-polar, at codon 206 of the FAM20C protein (p.Gly206Val). The frequency data for this variant in the population databases is considered unreliable, as metrics indicate poor data quality at this position in the gnomAD database. This variant has not been reported in the literature in individuals affected with FAM20C-related conditions. Invitae Evidence Modeling of protein sequence and biophysical properties (such as structural, functional, and spatial information, amino acid conservation, physicochemical variation, residue mobility, and thermodynamic stability) indicates that this missense variant is not expected to disrupt FAM20C protein function with a negative predictive value of 80%. In summary, the available evidence is currently insufficient to determine the role of this variant in disease. Therefore, it has been classified as a Variant of Uncertain Significance.